The following is an entry in ClinVar:

NC_000009.11:g.(?_21971106)_(21972068_?)del

Gene: CDKN2A (cyclin dependent kinase inhibitor 2A; minus strand). Cytogenetic location: 9p21.3.
Variant type: Deletion.
Identifiers: ClinVar variation 2422311 (VCV002422311.4).

ClinVar aggregate classification (germline): Pathogenic (1 of 4 stars; one submission).

Conditions:
Familial melanoma. Also called: Hereditary melanoma; Hereditary cutaneous melanoma. Identifiers: Orphanet 618, MedGen C1512419, MONDO:0018961.

Submission:

Labcorp Genetics (formerly Invitae), Labcorp
Classification: Pathogenic for Familial melanoma. Last evaluated: 2022-01-19. Review status: criteria provided, single submitter. Criteria: Invitae Variant Classification Sherloc (09022015). Collection method: clinical testing. Allele origin: germline.
Comment: For these reasons, this variant has been classified as Pathogenic. The evidence indicates that this variant confers risk of developing CDKN2A (p16INK4a) and CDKN2A (p14ARF)-associated conditions. This variant disrupts a region of the CDKN2A (p16INK4a) protein in which other variant(s) (p.Pro81Arg) have been determined to be pathogenic (PMID: 18023021, 19260062, 21462282, 26800492, 27804060). This suggests that this is a clinically significant region of the protein, and that variants that disrupt it are likely to be disease-causing. This variant is also known as c.194-861_295del (Partial deletion of exon 2) in the CDKN2A (p14ARF) transcript. This variant has been observed in individual(s) with clinical features of CDKN2A (p16INK4a)-related conditions and CDKN2A (p14ARF)-related conditions (Invitae). This variant results in the deletion of part of exon 2 of the CDKN2A (p16INK4a) gene. It is expected to disrupt RNA splicing. Variants that disrupt the donor or acceptor splice site typically lead to a loss of protein function (PMID: 16199547), and loss-of-function variants in CDKN2A (p16INK4a) are known to be pathogenic (PMID: 15146471, 16905682). The CDKN2A gene encodes two different proteins, p16INK4a and p14ARF, which are translated from alternative transcripts with different open reading frames. Both transcripts have been analyzed, we report either the variant with the higher classification or default to the CDKN2A (p16INK4a) variant. This report therefore includes the details for the CDKN2A (p16INK4a) variant.

Literature cited by the submitters: PubMed 18023021; PubMed 19260062; PubMed 21462282; PubMed 26800492; PubMed 27804060; PubMed 16199547; PubMed 15146471; PubMed 16905682.